The following is an entry in ClinVar:

ClinVar aggregate classification (germline): Uncertain significance. Review status: criteria provided, multiple submitters, no conflicts (2 of 4 stars). 2 submissions from 2 submitters: Uncertain significance (2). Last evaluated 2024-11-18.

Allele frequency attached by ClinVar (database versions not stated): ExAC 0.00018; 1000 Genomes Project 30x 0.00031; 1000 Genomes Project 0.00040; gnomAD 0.00046; TOPMed 0.00051; ESP Exome Variant Server 0.00062.
gnomAD v4.1: 172 of 1,614,050 alleles (0.011%); highest among the groups gnomAD compares: African/African-American, 0.2%; 1 homozygote.

Submissions (2):

Labcorp Genetics (formerly Invitae), Labcorp
Classification: Uncertain significance. Last evaluated: 2024-11-18. Review status: criteria provided, single submitter. Criteria: Invitae Variant Classification Sherloc (09022015). Collection method: clinical testing. Allele origin: germline.
Comment: This sequence change replaces methionine, which is neutral and non-polar, with valine, which is neutral and non-polar, at codon 504 of the MIPEP protein (p.Met504Val). This variant is present in population databases (rs145832996, gnomAD 0.2%). This variant has not been reported in the literature in individuals affected with MIPEP-related conditions. ClinVar contains an entry for this variant (Variation ID: 2072112). Invitae Evidence Modeling of protein sequence and biophysical properties (such as structural, functional, and spatial information, amino acid conservation, physicochemical variation, residue mobility, and thermodynamic stability) indicates that this missense variant is not expected to disrupt MIPEP protein function with a negative predictive value of 80%. In summary, the available evidence is currently insufficient to determine the role of this variant in disease. Therefore, it has been classified as a Variant of Uncertain Significance.

GeneDx
Classification: Uncertain significance. Last evaluated: 2024-11-05. Review status: criteria provided, single submitter. Criteria: GeneDx Variant Classification Process June 2021. Collection method: clinical testing. Allele origin: germline. Affected: yes.
Comment: In silico analysis supports that this missense variant has a deleterious effect on protein structure/function; Has not been previously published as pathogenic or benign to our knowledge

NM_005932.4(MIPEP):c.1510A>G (p.Met504Val)

Gene: MIPEP (mitochondrial intermediate peptidase; minus strand). Cytogenetic location: 13q12.12.
Variant type: single nucleotide variant.
Coding change: c.1510A>G on transcript NM_005932.4 (MANE Select); coding-DNA position 1510, A replaced by G.
Protein change: p.Met504Val; replaces methionine 504 with valine.
Molecular consequence: missense variant.
Genome position (GRCh38, 1-based): chr13:23,837,585, T>C on the plus strand (A>G on the coding strand, the complement: MIPEP is on the minus strand). VCF-style: chr13-23837585-T-C. GRCh37 (hg19) VCF-style: chr13-24411724-T-C.
Other names: c.1510A>G (NM_005932.3); short protein forms M504V.
Identifiers: ClinVar variation 2072112 (VCV002072112.3), dbSNP rs145832996, ClinGen allele CA6912979.
Genomic context (GRCh38, chr13:23,837,585, plus strand): 5'-TAAATAAAAGCCCTCCTCATGGCTCACCAGTGACGTGTTGGTAACGAGTACGTCCTAGCA[T>C]TGAATGCATGGCATGTCCCATTTCATGGAAAAGATTTTCCATCATGCTAGGAGTTAGCAA-3'
Protein context (NP_005923.3, residues 494-514): FHEMGHAMHS[Met504Val]LGRTRYQHVT